The following is an entry in ClinVar:

NM_004370.6(COL12A1):c.794G>A (p.Arg265His)

Gene: COL12A1 (collagen type XII alpha 1 chain; minus strand). Cytogenetic location: 6q13.
Variant type: single nucleotide variant.
Coding change: c.794G>A on transcript NM_004370.6 (MANE Select); coding-DNA position 794, G replaced by A.
Protein change: p.Arg265His; replaces arginine 265 with histidine.
Molecular consequence: missense variant. On other transcripts: intron variant (1).
Genome position (GRCh38, 1-based): chr6:75,189,246, C>T on the plus strand (G>A on the coding strand, the complement: COL12A1 is on the minus strand). VCF-style: chr6-75189246-C-T. GRCh37 (hg19) VCF-style: chr6-75898962-C-T.
Other names: c.73+13474G>A (NM_080645.3); short protein forms R265H.
Identifiers: ClinVar variation 837004 (VCV000837004.12), dbSNP rs778155362, ClinGen allele CA3894349.

ClinVar aggregate classification (germline): Conflicting classifications of pathogenicity. Review status: criteria provided, conflicting classifications (1 of 4 stars). 4 submissions from 4 submitters: Uncertain significance (3); Likely benign (1). Last evaluated 2025-12-01.

Conditions:
Ullrich congenital muscular dystrophy 2 (UCMD2). Identifiers: Orphanet 75840, MedGen C4225314, MONDO:0014654, OMIM 616470.
Bethlem myopathy 2 (BTHLM2). Identifiers: Orphanet 536516, Orphanet 610, MedGen C4225313, MONDO:0034022, OMIM 616471.
Inborn genetic diseases. Identifiers: MedGen C0950123, MeSH D030342.

Allele frequency attached by ClinVar (database versions not stated): TOPMed 0.00002; gnomAD 0.00004; gnomAD exomes 0.00004; ExAC 0.00005.
gnomAD v4.1: 74 of 1,612,778 alleles (0.0046%); highest among the groups gnomAD compares: Admixed American, 0.015%; no homozygotes.

Submissions (4):

Labcorp Genetics (formerly Invitae), Labcorp
Classification: Likely benign for Bethlem myopathy 2; Ullrich congenital muscular dystrophy 2. Last evaluated: 2025-12-01. Review status: criteria provided, single submitter. Criteria: Invitae Variant Classification Sherloc (09022015). Collection method: clinical testing. Allele origin: germline.

GeneDx
Classification: Uncertain significance. Last evaluated: 2024-07-27. Review status: criteria provided, single submitter. Criteria: GeneDx Variant Classification Process June 2021. Collection method: clinical testing. Allele origin: germline.
Comment: Has not been previously published as pathogenic or benign to our knowledge; In silico analysis supports that this missense variant does not alter protein structure/function

Revvity Omics, Revvity
Classification: Uncertain significance. Last evaluated: 2024-06-28. Review status: criteria provided, single submitter. Criteria: ACMG Guidelines, 2015. Collection method: clinical testing. Allele origin: germline.

Ambry Genetics
Classification: Uncertain significance for Inborn genetic diseases. Last evaluated: 2023-05-05. Review status: criteria provided, single submitter. Criteria: Ambry Variant Classification Scheme 2023. Collection method: clinical testing. Allele origin: germline.